The following is an entry in ClinVar:

NM_007294.4(BRCA1):c.2228A>G (p.Asn743Ser)

Gene: BRCA1 (BRCA1 DNA repair associated; minus strand). Cytogenetic location: 17q21.31.
Variant type: single nucleotide variant.
Coding change: c.2228A>G on transcript NM_007294.4 (MANE Select); coding-DNA position 2228, A replaced by G.
Protein change: p.Asn743Ser; replaces asparagine 743 with serine.
Molecular consequence: missense variant. On other transcripts: intron variant (137).
Genome position (GRCh38, 1-based): chr17:43,093,303, T>C on the plus strand (A>G on the coding strand, the complement: BRCA1 is on the minus strand). VCF-style: chr17-43093303-T-C. GRCh37 (hg19) VCF-style: chr17-41245320-T-C.
Other names: c.1964A>G, p.Asn655Ser (NM_001407933.1, NM_001407935.1, NM_001407920.1 and 9 more transcripts); c.1961A>G, p.Asn654Ser (NM_001407934.1, NM_001407936.1, NM_001407930.1 and 2 more transcripts); c.2105A>G, p.Asn702Ser (NM_001407937.1, NM_001407938.1, NM_001407939.1 and 19 more transcripts); c.2102A>G, p.Asn701Ser (NM_001407940.1, NM_001407941.1, NM_001407649.1 and 11 more transcripts); c.2084A>G, p.Asn695Ser (NM_001407943.1, NM_001407740.1, NM_001407741.1 and 20 more transcripts); c.2087A>G, p.Asn696Ser (NM_001407942.1, NM_001407692.1, NM_001407694.1 and 29 more transcripts); c.2015A>G, p.Asn672Ser (NM_001407571.1, NM_001407853.1, NM_001407894.1 and 9 more transcripts); c.2228A>G, p.Asn743Ser (NM_001407581.1, NM_001407582.1, NM_001407583.1 and 30 more transcripts); and 41 more; short protein forms N743S, N696S, N615S, N654S, N702S, N716S, N717S, N742S.
Identifiers: ClinVar variation 628747 (VCV000628747.19), dbSNP rs1567796489, ClinGen allele CA10597543.

ClinVar aggregate classification (germline): Conflicting classifications of pathogenicity. Review status: criteria provided, conflicting classifications (1 of 4 stars). 5 submissions from 5 submitters: Uncertain significance (4); Likely benign (1). Last evaluated 2023-09-14.

Conditions:
Hereditary cancer-predisposing syndrome. Also called: Neoplastic Syndromes, Hereditary; Tumor predisposition; Hereditary neoplastic syndrome; Hereditary Cancer Syndrome. Identifiers: Orphanet 140162, MedGen C0027672, MeSH D009386, MONDO:0015356.
Hereditary breast ovarian cancer syndrome. Also called: Hereditary breast and ovarian cancer syndrome; Hereditary breast and ovarian cancer; Hereditary breast and ovarian cancer syndrome (HBOC); Breast and ovarian cancer; Hereditary breast and/or ovarian cancer syndrome; BRCA1- and BRCA2-Associated Hereditary Breast and Ovarian Cancer. Identifiers: Orphanet 145, MedGen C0677776, MeSH D061325, MONDO:0003582. Disease mechanism: loss of function.

Submissions (5):

Labcorp Genetics (formerly Invitae), Labcorp
Classification: Uncertain significance for Hereditary breast ovarian cancer syndrome. Last evaluated: 2023-09-14. Review status: criteria provided, single submitter. Criteria: Invitae Variant Classification Sherloc (09022015). Collection method: clinical testing. Allele origin: germline.
Comment: In summary, the available evidence is currently insufficient to determine the role of this variant in disease. Therefore, it has been classified as a Variant of Uncertain Significance. Advanced modeling of protein sequence and biophysical properties (such as structural, functional, and spatial information, amino acid conservation, physicochemical variation, residue mobility, and thermodynamic stability) performed at Invitae indicates that this missense variant is not expected to disrupt BRCA1 protein function. ClinVar contains an entry for this variant (Variation ID: 628747). This variant has not been reported in the literature in individuals affected with BRCA1-related conditions. This variant is not present in population databases (gnomAD no frequency). This sequence change replaces asparagine, which is neutral and polar, with serine, which is neutral and polar, at codon 743 of the BRCA1 protein (p.Asn743Ser).

University of Washington Department of Laboratory Medicine, University of Washington
Classification: Likely benign for Hereditary cancer-predisposing syndrome. Last evaluated: 2023-03-23. Review status: criteria provided, single submitter. Criteria: Dines et al. (Genet Med. 2020). Collection method: curation. Allele origin: germline.
Comment: Missense variant in a coldspot region where missense variants are very unlikely to be pathogenic (PMID:31911673).

BRCA1 coldspot (exon 11 using historical exon numbering). Reclassification based on statistical prior probability

Women's Health and Genetics/Laboratory Corporation of America, LabCorp
Classification: Uncertain significance. Last evaluated: 2022-01-10. Review status: criteria provided, single submitter. Criteria: LabCorp Variant Classification Summary - May 2015. Collection method: clinical testing. Allele origin: germline.
Comment: Variant summary: BRCA1 c.2228A>G (p.Asn743Ser) results in a conservative amino acid change in the encoded protein sequence. This variant is also known as 2347A>G in HGVS. Four of four in-silico tools predict a benign effect of the variant on protein function. The variant was absent in 251100 control chromosomes (gnomAD). The available data on variant occurrences in the general population are insufficient to allow any conclusion about variant significance. c.2228A>G is reported in atleast one individual affected with Hereditary Breast and/or Ovarian Cancer without evidence for causality (Dorling_2021). To our knowledge no experimental evidence demonstrating its impact on protein function have been reported. Two clinical diagnostic laboratories have submitted clinical-significance assessments for this variant to ClinVar after 2014 and classified the variant as uncertain significance. Based on the evidence outlined above, the variant was classified as uncertain significance.

Ambry Genetics
Classification: Uncertain significance for Hereditary cancer-predisposing syndrome. Last evaluated: 2020-03-20. Review status: criteria provided, single submitter. Criteria: Ambry Variant Classification Scheme 2023. Collection method: clinical testing. Allele origin: germline.
Comment: The p.N743S variant (also known as c.2228A>G), located in coding exon 9 of the BRCA1 gene, results from an A to G substitution at nucleotide position 2228. The asparagine at codon 743 is replaced by serine, an amino acid with highly similar properties. This amino acid position is poorly conserved in available vertebrate species. In addition, this alteration is predicted to be tolerated by in silico analysis. Since supporting evidence is limited at this time, the clinical significance of this alteration remains unclear.

Color Diagnostics, LLC DBA Color Health
Classification: Uncertain significance for Hereditary cancer-predisposing syndrome. Last evaluated: 2019-01-04. Review status: criteria provided, single submitter. Criteria: ACMG Guidelines, 2015. Collection method: clinical testing. Allele origin: germline.

Literature cited by the submitters: PubMed 33471991 (cited by Women's Health and Genetics/Laboratory Corporation of America, LabCorp).